The following is an entry in ClinVar:

NM_002340.6(LSS):c.304del (p.Leu102fs)

Gene: LSS (lanosterol synthase; minus strand). Cytogenetic location: 21q22.3.
Variant type: Deletion.
Coding change: c.304del on transcript NM_002340.6 (MANE Select); coding-DNA position 304, one base deleted (C; older notation c.304delC).
Protein change: p.Leu102fs; shifts the reading frame from leucine 102.
Molecular consequence: frameshift variant.
Genome position (GRCh38, 1-based): chr21:46,227,567, G deleted on the plus strand (C on the coding strand, the reverse complement: LSS is on the minus strand). VCF-style (leftmost placement, unchanged base first): chr21-46227566-AG-A. GRCh37 (hg19) VCF-style: chr21-47647480-AG-A.
Other names: c.304del, p.Leu102fs (NM_001001438.3, NM_001145436.2); c.64del, p.Leu22fs (NM_001145437.2); short protein forms L102fs, L22fs.
Identifiers: ClinVar variation 1966922 (VCV001966922.5), dbSNP rs1438103809, ClinGen allele CA638193674.

ClinVar aggregate classification (germline): Pathogenic (1 of 4 stars; one submission).

Allele frequency attached by ClinVar (database versions not stated): gnomAD 0.00001; gnomAD exomes 0.00001; TOPMed 0.00001.

Submission:

Labcorp Genetics (formerly Invitae), Labcorp
Classification: Pathogenic. Last evaluated: 2022-03-26. Review status: criteria provided, single submitter. Criteria: Invitae Variant Classification Sherloc (09022015). Collection method: clinical testing. Allele origin: germline.
Comment: This sequence change creates a premature translational stop signal (p.Leu102Phefs*8) in the LSS gene. It is expected to result in an absent or disrupted protein product. Loss-of-function variants in LSS are known to be pathogenic (PMID: 30723320). This variant is present in population databases (no rsID available, gnomAD 0.004%). For these reasons, this variant has been classified as Pathogenic. This variant has not been reported in the literature in individuals affected with LSS-related conditions.

Literature cited by the submitters: PubMed 30723320.